The following is an entry in ClinVar:

NM_001267550.2(TTN):c.64218AGA[2] (p.Glu21409del)

Genes: TTN (titin; minus strand), TTN-AS1 (TTN antisense RNA 1; plus strand). Cytogenetic location: 2q31.2.
Variant type: Microsatellite.
Coding change: c.64218AGA[2] on transcript NM_001267550.2 (MANE Select); two copies in a row of the 3-base unit AGA starting at c.64218; the reference has three copies in a row; one copy, 3 bases deleted.
Protein change: p.Glu21409del; deletes glutamic acid 21409.
Molecular consequence: inframe deletion.
Genome position (GRCh38, 1-based): chr2:178,586,675-178,586,677, TCT deleted on the plus strand (AGA on the coding strand, the reverse complement: TTN is on the minus strand); deleting any 3 consecutive bases within chr2:178,586,675-178,586,683 gives the same sequence; the position shown is the placement nearest the transcript's 3' end. VCF-style (leftmost placement, unchanged base first): chr2-178586674-CTCT-C. GRCh37 (hg19) VCF-style: chr2-179451401-CTCT-C.
Other names: c.59295AGA[2], p.Glu19768del (NM_001256850.1); c.37023AGA[2], p.Glu12344del (NM_003319.4); c.56514AGA[2], p.Glu18841del (NM_133378.4); c.37398AGA[2], p.Glu12469del (NM_133432.3); c.37599AGA[2], p.Glu12536del (NM_133437.4); c.37029_37031delAGA (NM_003319.4); short protein forms E12536del, E18841del, E12344del, E19768del, E21409del, E12469del.
Identifiers: ClinVar variation 2451868 (VCV002451868.2), dbSNP rs1412345206, ClinGen allele CA538435517.

ClinVar aggregate classification (germline): Uncertain significance (1 of 4 stars; one submission).

Conditions:
Cardiovascular phenotype. Identifiers: MedGen CN230736.

Submission:

Ambry Genetics
Classification: Uncertain significance for Cardiovascular phenotype. Last evaluated: 2022-12-12. Review status: criteria provided, single submitter. Criteria: Ambry Variant Classification Scheme 2023. Collection method: clinical testing. Allele origin: germline.
Comment: The c.37029_37031delAGA variant (also known as p.E12344del) is located in coding exon 135 of the TTN gene. This variant results from an in-frame AGA deletion at nucleotide positions 37029 to 37031. This results in the in-frame deletion of a glutamic acid at codon 12344. This amino acid position is poorly conserved in available vertebrate species. In addition, this alteration is predicted to be deleterious by in silico analysis (Choi Y et al. PLoS ONE. 2012; 7(10):e46688). Since supporting evidence is limited at this time, the clinical significance of this alteration remains unclear.